The following is an entry in ClinVar:

ClinVar aggregate classification (germline): Uncertain significance (1 of 4 stars; one submission).

Conditions:
Gorlin syndrome. Also called: Nevoid Basal Cell Carcinoma Syndrome; Basal cell nevus syndrome. Identifiers: Orphanet 377, MedGen C0004779, MONDO:0007187.
Medulloblastoma (MDB). Also called: MEDULLOBLASTOMA PREDISPOSITION SYNDROME; Medulloblastoma, somatic. Identifiers: Orphanet 616, MedGen C0025149, MeSH D008527, MONDO:0007959, OMIM 155255, HP:0002885.

Submission:

Labcorp Genetics (formerly Invitae), Labcorp
Classification: Uncertain significance for Gorlin syndrome; Medulloblastoma. Last evaluated: 2020-06-08. Review status: criteria provided, single submitter. Criteria: Invitae Variant Classification Sherloc (09022015). Collection method: clinical testing. Allele origin: germline.
Comment: This variant has not been reported in the literature in individuals with SUFU-related conditions. This sequence change replaces alanine with serine at codon 416 of the SUFU protein (p.Ala416Ser). The alanine residue is highly conserved and there is a moderate physicochemical difference between alanine and serine. This variant is not present in population databases (ExAC no frequency). Algorithms developed to predict the effect of missense changes on protein structure and function (SIFT, PolyPhen-2, Align-GVGD) all suggest that this variant is likely to be tolerated, but these predictions have not been confirmed by published functional studies and their clinical significance is uncertain. In summary, the available evidence is currently insufficient to determine the role of this variant in disease. Therefore, it has been classified as a Variant of Uncertain Significance.

NM_016169.4(SUFU):c.1246G>T (p.Ala416Ser)

Gene: SUFU (SUFU negative regulator of hedgehog signaling; plus strand). Cytogenetic location: 10q24.32.
Variant type: single nucleotide variant.
Coding change: c.1246G>T on transcript NM_016169.4 (MANE Select); coding-DNA position 1246, G replaced by T.
Protein change: p.Ala416Ser; replaces alanine 416 with serine.
Molecular consequence: missense variant.
Genome position (GRCh38, 1-based): chr10:102,617,378, G>T. VCF-style: chr10-102617378-G-T. GRCh37 (hg19) VCF-style: chr10-104377135-G-T.
Other names: c.1246G>T, p.Ala416Ser (NM_001178133.2); short protein forms A416S.
Identifiers: ClinVar variation 1004458 (VCV001004458.9), dbSNP rs779490664, ClinGen allele CA377916586.